The following is an entry in ClinVar:

ClinVar aggregate classification (germline): Uncertain significance. Review status: criteria provided, multiple submitters, no conflicts (2 of 4 stars). 2 submissions from 2 submitters: Uncertain significance (2). Last evaluated 2024-09-10.

Conditions:
Epidermolysis bullosa simplex with nail dystrophy (EBS5D). Identifiers: MedGen C4225309, MONDO:0014661, OMIM 616487.
Epidermolysis bullosa simplex, Ogna type (EBS5A). Also called: Pidermolysis bullosa simplex 5A, Ogna type; EPIDERMOLYSIS BULLOSA SIMPLEX 5A, OGNA TYPE. Identifiers: Orphanet 79401, MedGen C0432317, MONDO:0007555, OMIM 131950.
Autosomal recessive limb-girdle muscular dystrophy type 2Q (LGMDR17). Also called: MUSCULAR DYSTROPHY, LIMB-GIRDLE, AUTOSOMAL RECESSIVE 17. Identifiers: Orphanet 254361, MedGen C3150989, MONDO:0013390, OMIM 613723.
Epidermolysis bullosa simplex 5B, with muscular dystrophy (EBS5B). Also called: EPIDERMOLYSIS BULLOSA SIMPLEX AND LIMB-GIRDLE MUSCULAR DYSTROPHY; Epidermolysis bullosa simplex with muscular dystrophy. Identifiers: Orphanet 257, MedGen C2931072, MONDO:0009181, OMIM 226670.
Epidermolysis bullosa simplex 5C, with pyloric atresia (EBS5C). Also called: PLEC-Related Epidermolysis Bullosa with Pyloric Atresia; Epidermolysis bullosa simplex with pyloric atresia; PLEC1-Related Epidermolysis Bullosa with Pyloric Atresia. Identifiers: Orphanet 158684, MedGen C2677349, MONDO:0012807, OMIM 612138.

gnomAD v4.1: 4 of 1,610,134 alleles (0.00025%); highest among the groups gnomAD compares: African/African-American, 0.0027%; no homozygotes.

Submissions (2):

Labcorp Genetics (formerly Invitae), Labcorp
Classification: Uncertain significance for Autosomal recessive limb-girdle muscular dystrophy type 2Q; Epidermolysis bullosa simplex, Ogna type; Epidermolysis bullosa simplex with nail dystrophy; Epidermolysis bullosa simplex 5C, with pyloric atresia; Epidermolysis bullosa simplex 5B, with muscular dystrophy. Last evaluated: 2024-09-10. Review status: criteria provided, single submitter. Criteria: Invitae Variant Classification Sherloc (09022015). Collection method: clinical testing. Allele origin: germline.
Comment: This sequence change replaces serine, which is neutral and polar, with threonine, which is neutral and polar, at codon 4286 of the PLEC protein (p.Ser4286Thr). This variant is present in population databases (no rsID available, gnomAD 0.003%). This variant has not been reported in the literature in individuals affected with PLEC-related conditions. An algorithm developed to predict the effect of missense changes on protein structure and function (PolyPhen-2) suggests that this variant is likely to be disruptive. In summary, the available evidence is currently insufficient to determine the role of this variant in disease. Therefore, it has been classified as a Variant of Uncertain Significance.

Revvity Omics, Revvity
Classification: Uncertain significance. Last evaluated: 2023-08-28. Review status: criteria provided, single submitter. Criteria: ACMG Guidelines, 2015. Collection method: clinical testing. Allele origin: germline.

NM_201384.3(PLEC):c.12776G>C (p.Ser4259Thr)

Gene: PLEC (plectin; minus strand). Cytogenetic location: 8q24.3.
Variant type: single nucleotide variant.
Coding change: c.12776G>C on transcript NM_201384.3 (MANE Select); coding-DNA position 12776, G replaced by C.
Protein change: p.Ser4259Thr; replaces serine 4259 with threonine.
Molecular consequence: missense variant.
Genome position (GRCh38, 1-based): chr8:143,917,045, C>G on the plus strand (G>C on the coding strand, the complement: PLEC is on the minus strand). VCF-style: chr8-143917045-C-G. GRCh37 (hg19) VCF-style: chr8-144991213-C-G.
Other names: c.12857G>C, p.Ser4286Thr (NM_000445.5); c.9476G>C, p.Ser3159Thr (NM_001410941.1); c.12734G>C, p.Ser4245Thr (NM_201378.4); c.12710G>C, p.Ser4237Thr (NM_201379.3); c.13187G>C, p.Ser4396Thr (NM_201380.4); c.12680G>C, p.Ser4227Thr (NM_201381.3); c.12776G>C, p.Ser4259Thr (NM_201382.4); c.12788G>C, p.Ser4263Thr (NM_201383.3); short protein forms S3159T, S4227T, S4237T, S4245T, S4259T, S4263T, S4286T, S4396T.
Identifiers: ClinVar variation 3751957 (VCV003751957.3).